The following is an entry in ClinVar:

ClinVar aggregate classification (germline): Uncertain significance (1 of 4 stars; one submission).

Submission:

Labcorp Genetics (formerly Invitae), Labcorp
Classification: Uncertain significance. Last evaluated: 2025-04-28. Review status: criteria provided, single submitter. Criteria: Invitae Variant Classification Sherloc (09022015). Collection method: clinical testing. Allele origin: germline.
Comment: This sequence change affects codon 171 of the ADIPOR1 mRNA. It is a 'silent' change, meaning that it does not change the encoded amino acid sequence of the ADIPOR1 protein. This variant is not present in population databases (gnomAD no frequency). This variant has not been reported in the literature in individuals affected with ADIPOR1-related conditions. ClinVar contains an entry for this variant (Variation ID: 2796466). Algorithms developed to predict the effect of sequence changes on RNA splicing suggest that this variant may disrupt the consensus splice site. In summary, the available evidence is currently insufficient to determine the role of this variant in disease. Therefore, it has been classified as a Variant of Uncertain Significance.

NM_015999.6(ADIPOR1):c.513G>A (p.Val171=)

Gene: ADIPOR1 (adiponectin receptor 1; minus strand). Cytogenetic location: 1q32.1.
Variant type: single nucleotide variant.
Coding change: c.513G>A on transcript NM_015999.6 (MANE Select); coding-DNA position 513, G replaced by A.
Protein change: p.Val171=; no amino-acid change (valine 171 retained).
Molecular consequence: synonymous variant.
Genome position (GRCh38, 1-based): chr1:202,945,087, C>T on the plus strand (G>A on the coding strand, the complement: ADIPOR1 is on the minus strand). VCF-style: chr1-202945087-C-T. GRCh37 (hg19) VCF-style: chr1-202914215-C-T.
Other names: c.513G>A, p.Val171= (NM_001127687.1, NM_001290553.2, NM_001290557.1 and 1 more transcripts).
Identifiers: ClinVar variation 2796466 (VCV002796466.3), dbSNP rs2527462913, ClinGen allele CA422620979.